The following is an entry in ClinVar:

NM_001101426.4(CRPPA):c.124C>T (p.Arg42Cys)

Gene: CRPPA (CDP-L-ribitol pyrophosphorylase A; minus strand). Cytogenetic location: 7p21.2.
Variant type: single nucleotide variant.
Coding change: c.124C>T on transcript NM_001101426.4 (MANE Select); coding-DNA position 124, C replaced by T.
Protein change: p.Arg42Cys; replaces arginine 42 with cysteine.
Molecular consequence: missense variant. On other transcripts: non-coding transcript variant (1).
Genome position (GRCh38, 1-based): chr7:16,421,199, G>A on the plus strand (C>T on the coding strand, the complement: CRPPA is on the minus strand). VCF-style: chr7-16421199-G-A. GRCh37 (hg19) VCF-style: chr7-16460824-G-A.
Other names: c.124C>T, p.Arg42Cys (NM_001101417.4, NM_001368197.1); short protein forms R42C.
Identifiers: ClinVar variation 840458 (VCV000840458.2), dbSNP rs1415518757, ClinGen allele CA367004253.

ClinVar aggregate classification (germline): Uncertain significance (1 of 4 stars; one submission).

Conditions:
Muscular dystrophy-dystroglycanopathy (congenital with brain and eye anomalies), type A, 7. Also called: WALKER-WARBURG SYNDROME OR MUSCLE-EYE-BRAIN DISEASE, ISPD-RELATED; Congenital muscular dystrophy-dystroglycanopathy with brain and eye anomalies, type A7. Identifiers: Orphanet 899, MedGen C3553330, MONDO:0013835, OMIM 614643.
Autosomal recessive limb-girdle muscular dystrophy type 2U. Also called: Muscular dystrophy-dystroglycanopathy (limb-girdle), type c, 7; MUSCULAR DYSTROPHY, LIMB-GIRDLE, TYPE 2U. Identifiers: Orphanet 352479, MedGen C5190987, MONDO:0014474, OMIM 616052.

Allele frequency attached by ClinVar (database versions not stated): gnomAD exomes below 0.00001.
gnomAD v4.1: 3 of 1,341,726 alleles (0.00022%); highest among the groups gnomAD compares: African/African-American, 0.0015%; no homozygotes.

Submission:

Labcorp Genetics (formerly Invitae), Labcorp
Classification: Uncertain significance for Muscular dystrophy-dystroglycanopathy (congenital with brain and eye anomalies), type A, 7; Autosomal recessive limb-girdle muscular dystrophy type 2U. Last evaluated: 2025-09-02. Review status: criteria provided, single submitter. Criteria: Invitae Variant Classification Sherloc (09022015). Collection method: clinical testing. Allele origin: germline.
Comment: This sequence change replaces arginine, which is basic and polar, with cysteine, which is neutral and slightly polar, at codon 42 of the ISPD protein (p.Arg42Cys). This variant is not present in population databases (gnomAD no frequency). This variant has not been reported in the literature in individuals affected with ISPD-related conditions. ClinVar contains an entry for this variant (Variation ID: 840458). An algorithm developed to predict the effect of missense changes on protein structure and function outputs the following: PolyPhen-2: "Benign". The cysteine amino acid residue is found in multiple mammalian species, which suggests that this missense change does not adversely affect protein function. In summary, the available evidence is currently insufficient to determine the role of this variant in disease. Therefore, it has been classified as a Variant of Uncertain Significance.